The following is an entry in ClinVar:

ClinVar aggregate classification (germline): Uncertain significance. Review status: criteria provided, multiple submitters, no conflicts (2 of 4 stars). 2 submissions from 2 submitters: Uncertain significance (2). Last evaluated 2025-04-12.

Conditions:
Legius syndrome. Identifiers: Orphanet 137605, MedGen C1969623, MONDO:0012669, OMIM 611431. Disease mechanism: loss of function.
Cardiovascular phenotype. Identifiers: MedGen CN230736.

Submissions (2):

Ambry Genetics
Classification: Uncertain significance for Cardiovascular phenotype. Last evaluated: 2025-04-12. Review status: criteria provided, single submitter. Criteria: Ambry Variant Classification Scheme 2023. Collection method: clinical testing. Allele origin: germline.
Comment: The p.V17M variant (also known as c.49G>A), located in coding exon 2 of the SPRED1 gene, results from a G to A substitution at nucleotide position 49. The valine at codon 17 is replaced by methionine, an amino acid with highly similar properties. This amino acid position is conserved. In addition, this alteration is predicted to be deleterious by in silico analysis. Based on the available evidence, the clinical significance of this variant remains unclear.

Labcorp Genetics (formerly Invitae), Labcorp
Classification: Uncertain significance for Legius syndrome. Last evaluated: 2019-11-01. Review status: criteria provided, single submitter. Criteria: Invitae Variant Classification Sherloc (09022015). Collection method: clinical testing. Allele origin: germline.
Comment: In summary, the available evidence is currently insufficient to determine the role of this variant in disease. Therefore, it has been classified as a Variant of Uncertain Significance. Algorithms developed to predict the effect of missense changes on protein structure and function are either unavailable or do not agree on the potential impact of this missense change (SIFT: "Deleterious"; PolyPhen-2: "Probably Damaging"; Align-GVGD: "Class C0"). This variant has not been reported in the literature in individuals with SPRED1-related conditions. This variant is not present in population databases (ExAC no frequency). This sequence change replaces valine with methionine at codon 17 of the SPRED1 protein (p.Val17Met). The valine residue is highly conserved and there is a small physicochemical difference between valine and methionine.

NM_152594.3(SPRED1):c.49G>A (p.Val17Met)

Gene: SPRED1 (sprouty related EVH1 domain containing 1; plus strand). Cytogenetic location: 15q14.
Variant type: single nucleotide variant.
Coding change: c.49G>A on transcript NM_152594.3 (MANE Select); coding-DNA position 49, G replaced by A.
Protein change: p.Val17Met; replaces valine 17 with methionine.
Molecular consequence: missense variant.
Genome position (GRCh38, 1-based): chr15:38,299,389, G>A. VCF-style: chr15-38299389-G-A. GRCh37 (hg19) VCF-style: chr15-38591590-G-A.
Other names: short protein forms V17M.
Identifiers: ClinVar variation 954199 (VCV000954199.11), dbSNP rs1895106351, ClinGen allele CA391933800.